The following is an entry in ClinVar:

ClinVar aggregate classification (germline): Uncertain significance. Review status: criteria provided, multiple submitters, no conflicts (2 of 4 stars). 2 submissions from 2 submitters: Uncertain significance (2). Last evaluated 2024-11-18.

Conditions:
Oculocutaneous albinism type 3 (OCA3). Also called: Albinism, oculocutaneous, type III; RUFOUS OCULOCUTANEOUS ALBINISM; ALBINISM III; XANTHISM; Rufous OCA; Rufous albinism. Identifiers: Orphanet 79433, MedGen C0342683, MONDO:0008747, OMIM 203290.

Allele frequency attached by ClinVar (database versions not stated): ExAC 0.00004; gnomAD 0.00004; gnomAD exomes 0.00004 and 0.00009; TOPMed 0.00007; ESP Exome Variant Server 0.00008.
gnomAD v4.1: 146 of 1,613,920 alleles (0.009%); highest among the groups gnomAD compares: African/African-American, 0.017%; 1 homozygote.

Submissions (2):

Labcorp Genetics (formerly Invitae), Labcorp
Classification: Uncertain significance. Last evaluated: 2024-11-18. Review status: criteria provided, single submitter. Criteria: Invitae Variant Classification Sherloc (09022015). Collection method: clinical testing. Allele origin: germline.
Comment: This sequence change replaces arginine, which is basic and polar, with histidine, which is basic and polar, at codon 230 of the TYRP1 protein (p.Arg230His). This variant is present in population databases (rs372466491, gnomAD 0.01%). This variant has not been reported in the literature in individuals affected with TYRP1-related conditions. ClinVar contains an entry for this variant (Variation ID: 915236). Invitae Evidence Modeling of protein sequence and biophysical properties (such as structural, functional, and spatial information, amino acid conservation, physicochemical variation, residue mobility, and thermodynamic stability) indicates that this missense variant is not expected to disrupt TYRP1 protein function with a negative predictive value of 80%. In summary, the available evidence is currently insufficient to determine the role of this variant in disease. Therefore, it has been classified as a Variant of Uncertain Significance.

Illumina Laboratory Services, Illumina
Classification: Uncertain significance for Oculocutaneous albinism type 3. Last evaluated: 2017-04-28. Review status: criteria provided, single submitter. Criteria: ICSL Variant Classification Criteria 13 December 2019. Collection method: clinical testing. Allele origin: germline.

NM_000550.3(TYRP1):c.689G>A (p.Arg230His)

Gene: TYRP1 (tyrosinase related protein 1; plus strand). Cytogenetic location: 9p23.
Variant type: single nucleotide variant.
Coding change: c.689G>A on transcript NM_000550.3 (MANE Select); coding-DNA position 689, G replaced by A.
Protein change: p.Arg230His; replaces arginine 230 with histidine.
Molecular consequence: missense variant.
Genome position (GRCh38, 1-based): chr9:12,695,818, G>A. VCF-style: chr9-12695818-G-A. GRCh37 (hg19) VCF-style: chr9-12695818-G-A.
Other names: short protein forms R230H.
Identifiers: ClinVar variation 915236 (VCV000915236.9), dbSNP rs372466491, ClinGen allele CA4985282.
Genomic context (GRCh38, chr9:12,695,818, plus strand): 5'-AAGTGGATTTCTCTCATGAGGGACCAGCTTTTCTCACATGGCACAGGTACCACCTCCTGC[G>A]TCTGGAGAAAGACATGCAGGTATGTAAGAAGCATTTCAGTTTGCAGACTCTTTACAGACA-3'
Protein context (NP_000541.1, residues 220-240): FLTWHRYHLL[Arg230His]LEKDMQEMLQ